The following is an entry in ClinVar:

ClinVar aggregate classification (germline): Uncertain significance (1 of 4 stars; one submission).

gnomAD v4.1: 17 of 1,614,018 alleles (0.0011%); highest among the groups gnomAD compares: Non-Finnish European, 0.0014%; no homozygotes.

Submission:

Labcorp Genetics (formerly Invitae), Labcorp
Classification: Uncertain significance. Last evaluated: 2021-10-13. Review status: criteria provided, single submitter. Criteria: Invitae Variant Classification Sherloc (09022015). Collection method: clinical testing. Allele origin: germline.
Comment: In summary, the available evidence is currently insufficient to determine the role of this variant in disease. Therefore, it has been classified as a Variant of Uncertain Significance. Algorithms developed to predict the effect of missense changes on protein structure and function are either unavailable or do not agree on the potential impact of this missense change (SIFT: "Deleterious"; PolyPhen-2: "Benign"; Align-GVGD: "Class C15"). This variant has not been reported in the literature in individuals affected with PAX4-related conditions. This variant is not present in population databases (ExAC no frequency). This sequence change replaces arginine with glycine at codon 24 of the PAX4 protein (p.Arg24Gly). The arginine residue is moderately conserved and there is a moderate physicochemical difference between arginine and glycine.

NM_001366110.1(PAX4):c.94C>G (p.Arg32Gly)

Gene: PAX4 (paired box 4; minus strand). Cytogenetic location: 7q32.1.
Variant type: single nucleotide variant.
Coding change: c.94C>G on transcript NM_001366110.1 (MANE Select); coding-DNA position 94, C replaced by G.
Protein change: p.Arg32Gly; replaces arginine 32 with glycine.
Molecular consequence: missense variant.
Genome position (GRCh38, 1-based): chr7:127,615,451, G>C on the plus strand (C>G on the coding strand, the complement: PAX4 is on the minus strand). VCF-style: chr7-127615451-G-C. GRCh37 (hg19) VCF-style: chr7-127255505-G-C.
Other names: c.94C>G, p.Arg32Gly (NM_001366111.1); short protein forms R32G.
Identifiers: ClinVar variation 1350407 (VCV001350407.6), dbSNP rs151008936, ClinGen allele CA369178851.